The following is an entry in ClinVar:

ClinVar aggregate classification (germline): Uncertain significance. Review status: criteria provided, multiple submitters, no conflicts (2 of 4 stars). 3 submissions from 3 submitters: Uncertain significance (2). 1 of the submissions does not count toward it. Last evaluated 2025-07-16.

Conditions:
Bloom syndrome (BLM). Also called: Bloom-Torre-Machacek syndrome. Identifiers: Orphanet 125, MedGen C0005859, MONDO:0008876, OMIM 210900.
Hereditary cancer-predisposing syndrome. Also called: Neoplastic Syndromes, Hereditary; Tumor predisposition; Hereditary neoplastic syndrome; Hereditary Cancer Syndrome. Identifiers: Orphanet 140162, MedGen C0027672, MeSH D009386, MONDO:0015356.

Submissions (3):

Ambry Genetics
Classification: Uncertain significance for Hereditary cancer-predisposing syndrome. Last evaluated: 2025-07-16. Review status: criteria provided, single submitter. Criteria: Ambry Variant Classification Scheme 2023. Collection method: clinical testing. Allele origin: germline.
Comment: The p.N22D variant (also known as c.64A>G), located in coding exon 1 of the BLM gene, results from an A to G substitution at nucleotide position 64. The asparagine at codon 22 is replaced by aspartic acid, an amino acid with highly similar properties. This amino acid position is poorly conserved in available vertebrate species. In addition, this alteration is predicted to be tolerated by in silico analysis. Since supporting evidence is limited at this time, the clinical significance of this alteration remains unclear.

Labcorp Genetics (formerly Invitae), Labcorp
Classification: Uncertain significance for Bloom syndrome. Last evaluated: 2024-12-12. Review status: criteria provided, single submitter. Criteria: Invitae Variant Classification Sherloc (09022015). Collection method: clinical testing. Allele origin: germline.
Comment: This sequence change replaces asparagine, which is neutral and polar, with aspartic acid, which is acidic and polar, at codon 22 of the BLM protein (p.Asn22Asp). This variant is not present in population databases (gnomAD no frequency). This variant has not been reported in the literature in individuals affected with BLM-related conditions. ClinVar contains an entry for this variant (Variation ID: 661679). An algorithm developed to predict the effect of missense changes on protein structure and function (PolyPhen-2) suggests that this variant¬†is likely to be tolerated. In summary, the available evidence is currently insufficient to determine the role of this variant in disease. Therefore, it has been classified as a Variant of Uncertain Significance.

Natera, Inc.
Classification: Uncertain significance for Bloom syndrome. Last evaluated: 2020-08-20. Review status: no assertion criteria provided. Collection method: clinical testing. Allele origin: germline. Not counted in ClinVar's aggregate classification.

NM_000057.4(BLM):c.64A>G (p.Asn22Asp)

Gene: BLM (BLM RecQ like helicase; plus strand). Cytogenetic location: 15q26.1.
Variant type: single nucleotide variant.
Coding change: c.64A>G on transcript NM_000057.4 (MANE Select); coding-DNA position 64, A replaced by G.
Protein change: p.Asn22Asp; replaces asparagine 22 with aspartic acid.
Molecular consequence: missense variant. On other transcripts: 5 prime UTR variant (1).
Genome position (GRCh38, 1-based): chr15:90,747,456, A>G. VCF-style: chr15-90747456-A-G. GRCh37 (hg19) VCF-style: chr15-91290686-A-G.
Other names: c.64A>G, p.Asn22Asp (NM_001287246.2, NM_001287247.2); c.-1228A>G (NM_001287248.2); short protein forms N22D.
Identifiers: ClinVar variation 661679 (VCV000661679.19), dbSNP rs1370338581, ClinGen allele CA393838935.
Genomic context (GRCh38, chr15:90,747,456, plus strand): 5'-GCTGCTGTTCCTCAAAATAATCTACAGGAGCAACTAGAACGTCACTCAGCCAGAACACTT[A>G]ATAATAAATTAAGTCTTTCAAAACCAAAATTTTCGTAAGTGTTTTGACTGGTTTGCTGTC-3'
Protein context (NP_000048.1, residues 12-32): QLERHSARTL[Asn22Asp]NKLSLSKPKF